The following is an entry in ClinVar:

ClinVar aggregate classification (germline): Uncertain significance. Review status: criteria provided, multiple submitters, no conflicts (2 of 4 stars). 3 submissions from 3 submitters: Uncertain significance (3). Last evaluated 2023-02-16.

Conditions:
Inborn genetic diseases. Identifiers: MedGen C0950123, MeSH D030342.

Allele frequency attached by ClinVar (database versions not stated): gnomAD exomes 0.00002 and 0.00003; ExAC 0.00003; gnomAD 0.00003 and 0.00025; TOPMed 0.00037.
gnomAD v4.1: 78 of 1,613,618 alleles (0.0048%); highest among the groups gnomAD compares: Non-Finnish European, 0.0036%; no homozygotes.

Submissions (3):

Ambry Genetics
Classification: Uncertain significance for Inborn genetic diseases. Last evaluated: 2023-02-16. Review status: criteria provided, single submitter. Criteria: Ambry Variant Classification Scheme 2023. Collection method: clinical testing. Allele origin: germline.

Labcorp Genetics (formerly Invitae), Labcorp
Classification: Uncertain significance. Last evaluated: 2022-03-27. Review status: criteria provided, single submitter. Criteria: Invitae Variant Classification Sherloc (09022015). Collection method: clinical testing. Allele origin: germline.
Comment: This sequence change replaces proline, which is neutral and non-polar, with threonine, which is neutral and polar, at codon 115 of the TUBGCP4 protein (p.Pro115Thr). This variant is present in population databases (rs750505801, gnomAD 0.006%). This variant has not been reported in the literature in individuals affected with TUBGCP4-related conditions. ClinVar contains an entry for this variant (Variation ID: 1009263). Algorithms developed to predict the effect of missense changes on protein structure and function are either unavailable or do not agree on the potential impact of this missense change (SIFT: "Deleterious"; PolyPhen-2: "Possibly Damaging"; Align-GVGD: "Class C0"). In summary, the available evidence is currently insufficient to determine the role of this variant in disease. Therefore, it has been classified as a Variant of Uncertain Significance.

Breakthrough Genomics
Classification: Uncertain significance. Review status: criteria provided, single submitter. Criteria: ACMG Guidelines, 2015. Collection method: not provided. Allele origin: germline. Inheritance: Autosomal recessive inheritance. Affected: yes.

NM_014444.5(TUBGCP4):c.343C>A (p.Pro115Thr)

Gene: TUBGCP4 (tubulin gamma complex component 4; plus strand). Cytogenetic location: 15q15.3.
Variant type: single nucleotide variant.
Coding change: c.343C>A on transcript NM_014444.5 (MANE Select); coding-DNA position 343, C replaced by A.
Protein change: p.Pro115Thr; replaces proline 115 with threonine.
Molecular consequence: missense variant.
Genome position (GRCh38, 1-based): chr15:43,377,026, C>A. VCF-style: chr15-43377026-C-A. GRCh37 (hg19) VCF-style: chr15-43669224-C-A.
Other names: c.343C>A, p.Pro115Thr (NM_001286414.3); c.343C>A (NM_014444.2); short protein forms P115T.
Identifiers: ClinVar variation 1009263 (VCV001009263.5), dbSNP rs750505801, ClinGen allele CA7523742.
Genomic context (GRCh38, chr15:43,377,026, plus strand): 5'-TTTGAGATATTTTGTGTGGAGCTCTAATCACAAAGTTTTTTATTGCAGTTCCTGGGTGAT[C>A]CCCATCTCTCCATATCACATGTCAACTACTTCCTAGACCAGGTATGCTGCCCAAATAACC-3'
Protein context (NP_055259.2, residues 105-125): LDLEQEFLGD[Pro115Thr]HLSISHVNYF